The following is an entry in ClinVar:

ClinVar aggregate classification (germline): Pathogenic/Likely pathogenic. Review status: criteria provided, multiple submitters, no conflicts (2 of 4 stars). 4 submissions from 4 submitters: Pathogenic (3); Likely pathogenic (1). Last evaluated 2026-06-29.

Conditions:
Duchenne muscular dystrophy (DMD). Also called: Duchenne Muscular Dystrophy (DMD); MUSCULAR DYSTROPHY, PSEUDOHYPERTROPHIC PROGRESSIVE, DUCHENNE TYPE. Identifiers: Orphanet 98896, MedGen C0013264, MONDO:0010679, OMIM 310200.
Becker muscular dystrophy (BMD). Also called: Becker Muscular Dystrophy (BMD); MUSCULAR DYSTROPHY, PSEUDOHYPERTROPHIC PROGRESSIVE, BECKER TYPE. Identifiers: Orphanet 98895, MedGen C0917713, MONDO:0010311, OMIM 300376.
Progressive muscular dystrophy. Identifiers: Orphanet 206644, MedGen C4551827, MONDO:0016106.

Submissions (4):

Cancer Bioinformatics and Tumour Evolution Laboratory, Monash University
Classification: Pathogenic for Progressive muscular dystrophy. Last evaluated: 2026-06-29. Review status: criteria provided, single submitter. Criteria: ACMG Guidelines, 2015. Collection method: curation. Allele origin: germline. Inheritance: X-linked inheritance.
Comment: This variant has been classified as pathogenic for Progressive Muscular Dystrophy. Based on the ACMG guidelines and ClinGen SVI modifications, the following criteria are met: Variant is absent from population database gnomAD v4.1.1 (PM2_supporting). Missense variant located in exon 12 of 79, 20 nucleotides from the exon 12 splice acceptor site. RNA sequencing data from muscle biopsy of a DMD patient with c.1351 G>T has demonstrated this variant to disrupt splicing via activation of a downstream cryptic splice site, resulting in partial skipping of exon 12 (loss of first 28 nucleotides of exon) (PMID: 32597815). This observation is consistent with SpliceAI predictions (acceptor loss score 0.41, acceptor gain score 0.87 at position -9). This mis-splicing is predicted to cause a frameshift and a new predicted protein consequence: p.(Asn444Lysfs*5). This transcript is predicted to undergo NMD. Loss of function is the known mechanism of DMD related muscular dystrophy (PMID: 41391908, PMID: 40596735) (PVS1). Numerous premature stop codon introducing variants further downstream in DMD gene have previously been classified as pathogenic. At least 3 males with phenotypes consistent with progressive muscular dystrophy have been reported hemizygous for this variant in literature (PMID: 32597815), ClinVar (Variant ID: 642449) and the French UMD-DMD database (UMD id: 3573) compared to 0 unaffected controls (gnomAD) (PS4_Moderate). Following the reading frame rule that predicts either a Duchenne or Becker Muscular Dystrophy phenotype, this variant is expected to be associated with Duchenne Muscular Dystrophy.

Labcorp Genetics (formerly Invitae), Labcorp
Classification: Pathogenic for Duchenne muscular dystrophy. Last evaluated: 2024-09-01. Review status: criteria provided, single submitter. Criteria: Invitae Variant Classification Sherloc (09022015). Collection method: clinical testing. Allele origin: germline.
Comment: This sequence change replaces aspartic acid, which is acidic and polar, with tyrosine, which is neutral and polar, at codon 451 of the DMD protein (p.Asp451Tyr). RNA analysis indicates that this missense change induces altered splicing and may result in an absent or altered protein product. This variant is not present in population databases (gnomAD no frequency). This missense change has been observed in individual(s) with DMD-related muscular dystrophy (PMID: 22776072; internal data). In at least one individual the variant was observed to be de novo. ClinVar contains an entry for this variant (Variation ID: 642449). Invitae Evidence Modeling of protein sequence and biophysical properties (such as structural, functional, and spatial information, amino acid conservation, physicochemical variation, residue mobility, and thermodynamic stability) indicates that this missense variant is not expected to disrupt DMD protein function with a negative predictive value of 95%. Studies have shown that this missense change results in partial skipping exon 12, and produces a non-functional protein and/or introduces a premature termination codon (PMID: 32597815). For these reasons, this variant has been classified as Pathogenic.

Mendelics
Classification: Pathogenic for Becker muscular dystrophy. Last evaluated: 2022-05-04. Review status: criteria provided, single submitter. Criteria: Mendelics Assertion Criteria 2019. Collection method: clinical testing. Allele origin: germline.

3billion
Classification: Likely pathogenic for Duchenne muscular dystrophy. Last evaluated: 2022-03-22. Review status: criteria provided, single submitter. Criteria: ACMG Guidelines, 2015. Collection method: clinical testing. Allele origin: germline. Affected: yes. Observed: 1 hemizygote.
Comment: Same or different nucleotide change resulting in same amino acid change has been previously reported as pathogenic/likely pathogenic with strong evidence (PMID: 22776072, ClinVar ID: VCV000642449). In silico tools predict the variant to alter splicing and produce an abnormal transcript t(SPLICEAI: 0.87>=0.8, PP3_P). It is not observed in the gnomAD v2.1.1 dataset. Therefore, this variant is classified as likely pathogenic according to the recommendation of ACMG/AMP guideline.

Literature cited by the submitters: PubMed 32597815 (cited by Cancer Bioinformatics and Tumour Evolution Laboratory, Monash University and Labcorp Genetics (formerly Invitae), Labcorp); PubMed 41391908 (cited by Cancer Bioinformatics and Tumour Evolution Laboratory, Monash University); PubMed 40596735 (cited by Cancer Bioinformatics and Tumour Evolution Laboratory, Monash University); PubMed 22776072 (cited by Labcorp Genetics (formerly Invitae), Labcorp and 3billion).

NM_004006.3(DMD):c.1351G>T (p.Asp451Tyr)

Gene: DMD (dystrophin; minus strand). Cytogenetic location: Xp21.1.
Variant type: single nucleotide variant.
Coding change: c.1351G>T on transcript NM_004006.3 (MANE Select); coding-DNA position 1351, G replaced by T.
Protein change: p.Asp451Tyr; replaces aspartic acid 451 with tyrosine.
Molecular consequence: missense variant.
Genome position (GRCh38, 1-based): chrX:32,614,434, C>A on the plus strand (G>T on the coding strand, the complement: DMD is on the minus strand). VCF-style: chrX-32614434-C-A. GRCh37 (hg19) VCF-style: chrX-32632551-C-A.
Other names: c.1327G>T, p.Asp443Tyr (NM_000109.4); c.1339G>T, p.Asp447Tyr (NM_004009.3); c.982G>T, p.Asp328Tyr (NM_004010.3); short protein forms D447Y, D443Y, D451Y, D328Y.
Identifiers: ClinVar variation 642449 (VCV000642449.7), dbSNP rs1602169535, ClinGen allele CA412670439.